The following is an entry in ClinVar:

ClinVar aggregate classification (germline): Benign/Likely benign. Review status: criteria provided, multiple submitters, no conflicts (2 of 4 stars). 2 submissions from 2 submitters: Benign (1); Likely benign (1). Last evaluated 2025-01-27.

Conditions:
Hereditary nonpolyposis colorectal neoplasms. Identifiers: MedGen C0009405, MeSH D003123.
Lynch syndrome 4 (LYNCH4). Also called: Hereditary non-polyposis colorectal cancer, type 4; Colorectal cancer, hereditary nonpolyposis, type 4. Identifiers: Orphanet 144, MedGen C1838333, MONDO:0013699, OMIM 614337. Disease mechanism: loss of function.

Submissions (2):

Myriad Genetics, Inc.
Classification: Benign for Lynch syndrome 4. Last evaluated: 2025-01-27. Review status: criteria provided, single submitter. Criteria: Myriad Autosomal Dominant, Autosomal Recessive and X-Linked Classification Criteria (2023). Collection method: clinical testing. Allele origin: unknown.
Comment: This variant is considered benign. This variant is a silent/synonymous amino acid change and it is not expected to impact splicing.

Labcorp Genetics (formerly Invitae), Labcorp
Classification: Likely benign for Hereditary nonpolyposis colorectal neoplasms. Last evaluated: 2024-05-29. Review status: criteria provided, single submitter. Criteria: Invitae Variant Classification Sherloc (09022015). Collection method: clinical testing. Allele origin: germline.

NM_000535.7(PMS2):c.522A>G (p.Gln174=)

Gene: PMS2 (PMS1 homolog 2, mismatch repair system component; minus strand). Cytogenetic location: 7p22.1.
Variant type: single nucleotide variant.
Coding change: c.522A>G on transcript NM_000535.7 (MANE Select); coding-DNA position 522, A replaced by G.
Protein change: p.Gln174=; no amino-acid change (glutamine 174 retained).
Molecular consequence: synonymous variant. On other transcripts: non-coding transcript variant (1), intron variant (1), 5 prime UTR variant (2).
Genome position (GRCh38, 1-based): chr7:6,002,468, T>C on the plus strand (A>G on the coding strand, the complement: PMS2 is on the minus strand). VCF-style: chr7-6002468-T-C. GRCh37 (hg19) VCF-style: chr7-6042099-T-C.
Other names: c.117A>G, p.Gln39= (NM_001406893.1, NM_001406894.1, NM_001406904.1 and 24 more transcripts); c.522A>G, p.Gln174= (NM_001406912.1, NM_001406873.1, NM_001406874.1 and 8 more transcripts); c.250+1504A>G (NM_001406885.1); c.213A>G, p.Gln71= (NM_001406900.1, NM_001406875.1, NM_001406877.1 and 6 more transcripts); c.204A>G, p.Gln68= (NM_001406901.1, NM_001406902.1, NM_001406903.1 and 4 more transcripts); c.-363A>G (NM_001322011.2, NM_001322012.2); c.708A>G, p.Gln236= (NM_001406866.1); c.546A>G, p.Gln182= (NM_001406868.1).
Identifiers: ClinVar variation 3655012 (VCV003655012.3).